The following is an entry in ClinVar:

NM_016042.4(EXOSC3):c.312_313del (p.Gln105fs)

Gene: EXOSC3 (exosome component 3; minus strand). Cytogenetic location: 9p13.2.
Variant type: Microsatellite.
Coding change: c.312_313del on transcript NM_016042.4 (MANE Select); coding-DNA positions 312 to 313, 2 bases deleted (TC; older notation c.312_313delTC).
Protein change: p.Gln105fs; shifts the reading frame from glutamine 105.
Molecular consequence: frameshift variant.
Genome position (GRCh38, 1-based): chr9:37,784,732-37,784,733, GA deleted on the plus strand (TC on the coding strand, the reverse complement: EXOSC3 is on the minus strand); deleting any 2 consecutive bases within chr9:37,784,732-37,784,736 gives the same sequence; the c. name uses the placement nearest the transcript's 3' end. VCF-style (leftmost placement, unchanged base first): chr9-37784731-TGA-T. GRCh37 (hg19) VCF-style: chr9-37784728-TGA-T.
Other names: c.312_313del, p.Gln105fs (NM_001002269.2); short protein forms Q105fs.
Identifiers: ClinVar variation 1878333 (VCV001878333.5), dbSNP rs1395561739, ClinGen allele CA588147845.

ClinVar aggregate classification (germline): Pathogenic/Likely pathogenic. Review status: criteria provided, multiple submitters, no conflicts (2 of 4 stars). 3 submissions from 3 submitters: Pathogenic (1); Likely pathogenic (2). Last evaluated 2025-09-23.

Conditions:
Pontoneocerebellar hypoplasia. Also called: Non-syndromic pontocerebellar hypoplasia; Pontocerebellar hypoplasia. Identifiers: Orphanet 98523, MedGen C1261175, MONDO:0020135.
Pontocerebellar hypoplasia type 1B. Also called: EXOSC3 Pontocerebellar Hypoplasia. Identifiers: Orphanet 2254, MedGen C3553449, MONDO:0013853, OMIM 614678.

Submissions (3):

First Genomix Gene Laboratory, Genetic Diagnostics Department
Classification: Likely pathogenic for Pontocerebellar hypoplasia type 1B. Last evaluated: 2025-09-23. Review status: criteria provided, single submitter. Criteria: ACMG Guidelines, 2015. Collection method: clinical testing. Allele origin: germline. Inheritance: Autosomal recessive inheritance. Affected: no. Observed: 1 variant allele.

Labcorp Genetics (formerly Invitae), Labcorp
Classification: Pathogenic for Pontocerebellar hypoplasia type 1B. Last evaluated: 2023-07-09. Review status: criteria provided, single submitter. Criteria: Invitae Variant Classification Sherloc (09022015). Collection method: clinical testing. Allele origin: germline.
Comment: For these reasons, this variant has been classified as Pathogenic. ClinVar contains an entry for this variant (Variation ID: 1878333). This variant has not been reported in the literature in individuals affected with EXOSC3-related conditions. This variant is present in population databases (no rsID available, gnomAD 0.02%). This sequence change creates a premature translational stop signal (p.Gln105Alafs*19) in the EXOSC3 gene. It is expected to result in an absent or disrupted protein product. Loss-of-function variants in EXOSC3 are known to be pathogenic (PMID: 22544365, 23284067, 24524299).

Women's Health and Genetics/Laboratory Corporation of America, LabCorp
Classification: Likely pathogenic for Pontoneocerebellar hypoplasia. Last evaluated: 2022-12-02. Review status: criteria provided, single submitter. Criteria: LabCorp Variant Classification Summary - May 2015. Collection method: clinical testing. Allele origin: germline.
Comment: Variant summary: EXOSC3 c.312_313delTC (p.Gln105AlafsX19) results in a premature termination codon, predicted to cause a truncation of the encoded protein or absence of the protein due to nonsense mediated decay, which are commonly known mechanisms for disease. Truncations downstream of this position have been classified as likely pathogenic by our laboratory and others have been reported in association with Pontocerebellar hypoplasia 1 in HGMD. The variant allele was found at a frequency of 2.2e-05 in 232178 control chromosomes. To our knowledge, no occurrence of c.312_313delTC in individuals affected with Pontocerebellar Hypoplasia, Type 1B and no experimental evidence demonstrating its impact on protein function have been reported. No clinical diagnostic laboratories have submitted clinical-significance assessments for this variant to ClinVar after 2014. Based on the evidence outlined above, the variant was classified as likely pathogenic.

Literature cited by the submitters: PubMed 22544365 (cited by Labcorp Genetics (formerly Invitae), Labcorp); PubMed 23284067 (cited by Labcorp Genetics (formerly Invitae), Labcorp); PubMed 24524299 (cited by Labcorp Genetics (formerly Invitae), Labcorp).